The following is an entry in ClinVar:

NM_002317.7(LOX):c.317C>T (p.Thr106Met)

Genes: LOX (lysyl oxidase; minus strand), SRFBP1 (serum response factor binding protein 1; plus strand). Cytogenetic location: 5q23.1.
Variant type: single nucleotide variant.
Coding change: c.317C>T on transcript NM_002317.7 (MANE Select); coding-DNA position 317, C replaced by T.
Protein change: p.Thr106Met; replaces threonine 106 with methionine.
Molecular consequence: missense variant.
Genome position (GRCh38, 1-based): chr5:122,077,669, G>A on the plus strand (C>T on the coding strand, the complement: LOX is on the minus strand). VCF-style: chr5-122077669-G-A. GRCh37 (hg19) VCF-style: chr5-121413364-G-A.
Other names: c.317C>T (NM_002317.5); short protein forms T106M.
Identifiers: ClinVar variation 3617544 (VCV003617544.3).

ClinVar aggregate classification (germline): Uncertain significance. Review status: criteria provided, multiple submitters, no conflicts (2 of 4 stars). 2 submissions from 2 submitters: Uncertain significance (2). Last evaluated 2025-09-25.

Conditions:
Cardiovascular phenotype. Identifiers: MedGen CN230736.

gnomAD v4.1: 12 of 1,604,420 alleles (0.00075%); highest among the groups gnomAD compares: Non-Finnish European, 0.001%; no homozygotes.

Submissions (2):

Ambry Genetics
Classification: Uncertain significance for Cardiovascular phenotype. Last evaluated: 2025-09-25. Review status: criteria provided, single submitter. Criteria: Ambry Variant Classification Scheme 2023. Collection method: clinical testing. Allele origin: germline.

Labcorp Genetics (formerly Invitae), Labcorp
Classification: Uncertain significance. Last evaluated: 2025-04-17. Review status: criteria provided, single submitter. Criteria: Invitae Variant Classification Sherloc (09022015). Collection method: clinical testing. Allele origin: germline.
Comment: This sequence change replaces threonine, which is neutral and polar, with methionine, which is neutral and non-polar, at codon 106 of the LOX protein (p.Thr106Met). This variant is not present in population databases (gnomAD no frequency). This variant has not been reported in the literature in individuals affected with LOX-related conditions. ClinVar contains an entry for this variant (Variation ID: 3617544). Invitae Evidence Modeling of protein sequence and biophysical properties (such as structural, functional, and spatial information, amino acid conservation, physicochemical variation, residue mobility, and thermodynamic stability) indicates that this missense variant is not expected to disrupt LOX protein function with a negative predictive value of 95%. In summary, the available evidence is currently insufficient to determine the role of this variant in disease. Therefore, it has been classified as a Variant of Uncertain Significance.